The following is an entry in ClinVar:

NM_001008212.2(OPTN):c.38A>T (p.Glu13Val)

Genes: OPTN (optineurin; plus strand), LOC108903148 (10p13 OPTN distal Alu-mediated recombination region; plus strand). Cytogenetic location: 10p13.
Variant type: single nucleotide variant.
Coding change: c.38A>T on transcript NM_001008212.2 (MANE Select); coding-DNA position 38, A replaced by T.
Protein change: p.Glu13Val; replaces glutamic acid 13 with valine.
Molecular consequence: missense variant.
Genome position (GRCh38, 1-based): chr10:13,109,160, A>T. VCF-style: chr10-13109160-A-T. GRCh37 (hg19) VCF-style: chr10-13151160-A-T.
Other names: c.38A>T, p.Glu13Val (NM_001008211.1, NM_001008213.1, NM_021980.4); short protein forms E13V.
Identifiers: ClinVar variation 2011696 (VCV002011696.4), dbSNP rs2539033411, ClinGen allele CA376027005.

ClinVar aggregate classification (germline): Uncertain significance (1 of 4 stars; one submission).

Conditions:
Primary open angle glaucoma (POAG). Also called: OPTN-related open angle glaucoma. Identifiers: MedGen C0339573, MONDO:0100553, OMIM 137760.
Glaucoma 1, open angle, E. Identifiers: MedGen C1842026, MONDO:0007665.
Amyotrophic lateral sclerosis type 12 (ALS12). Also called: AMYOTROPHIC LATERAL SCLEROSIS 12 WITH OR WITHOUT FRONTOTEMPORAL DEMENTIA. Identifiers: Orphanet 803, MedGen C3150692, MONDO:0013264, OMIM 613435.

Allele frequency attached by ClinVar (database versions not stated): gnomAD exomes below 0.00001.
gnomAD v4.1: 1 of 1,613,986 alleles (0.000062%); highest among the groups gnomAD compares: Non-Finnish European, 0.000085%; no homozygotes.

Submission:

Labcorp Genetics (formerly Invitae), Labcorp
Classification: Uncertain significance for Primary open angle glaucoma; Glaucoma 1, open angle, E; Amyotrophic lateral sclerosis type 12. Last evaluated: 2022-06-28. Review status: criteria provided, single submitter. Criteria: Invitae Variant Classification Sherloc (09022015). Collection method: clinical testing. Allele origin: germline.
Comment: Algorithms developed to predict the effect of missense changes on protein structure and function (SIFT, PolyPhen-2, Align-GVGD) all suggest that this variant is likely to be tolerated. This variant has not been reported in the literature in individuals affected with OPTN-related conditions. This variant is not present in population databases (gnomAD no frequency). This sequence change replaces glutamic acid, which is acidic and polar, with valine, which is neutral and non-polar, at codon 13 of the OPTN protein (p.Glu13Val). In summary, the available evidence is currently insufficient to determine the role of this variant in disease. Therefore, it has been classified as a Variant of Uncertain Significance.